The following is an entry in ClinVar:

NM_016529.6(ATP8A2):c.1683C>T (p.Phe561=)

Gene: ATP8A2 (ATPase phospholipid transporting 8A2). Cytogenetic location: 13q12.13.
Variant type: single nucleotide variant.
Coding change: c.1683C>T on transcript NM_016529.6 (MANE Select); coding-DNA position 1683, C replaced by T.
Protein change: p.Phe561=; no amino-acid change (phenylalanine 561 retained).
Molecular consequence: synonymous variant.
Genome position (GRCh38, 1-based): chr13:25,574,828, C>T. VCF-style: chr13-25574828-C-T. GRCh37 (hg19) VCF-style: chr13-26148966-C-T.
Other names: p.Phe561=; c.1563C>T, p.Phe521= (NM_001313741.1).
Identifiers: ClinVar variation 128489 (VCV000128489.19), dbSNP rs6491066, ClinGen allele CA214774.

ClinVar aggregate classification (germline): Benign. Review status: criteria provided, multiple submitters, no conflicts (2 of 4 stars). 5 submissions from 5 submitters: Benign (4). 1 of the submissions does not count toward it. Last evaluated 2026-02-03.

Conditions:
Cerebellar ataxia, impaired intellectual development, and dysequilibrium syndrome 4. Also called: CEREBELLAR ATAXIA AND MENTAL RETARDATION WITH OR WITHOUT QUADRUPEDAL LOCOMOTION 4; Cerebellar ataxia, mental retardation, and dysequilibrium syndrome 4; Cerebellar ataxia, intellectual disability, and dysequilibrium syndrome 4. Identifiers: Orphanet 1766, MedGen C3808977, MONDO:0014104, OMIM 615268.

Allele frequency attached by ClinVar (database versions not stated): 1000 Genomes Project 0.53634; 1000 Genomes Project 30x 0.54544; gnomAD exomes 0.62048; ExAC 0.62866; TOPMed 0.66441; gnomAD 0.67104 and 0.68336; ESP Exome Variant Server 0.70832.
gnomAD v4.1: 1,044,476 of 1,548,520 alleles (67%); highest among the groups gnomAD compares: Non-Finnish European, 71%; 362,454 homozygotes.

Submissions (5):

Labcorp Genetics (formerly Invitae), Labcorp
Classification: Benign. Last evaluated: 2026-02-03. Review status: criteria provided, single submitter. Criteria: Invitae Variant Classification Sherloc (09022015). Collection method: clinical testing. Allele origin: germline.

Mayo Clinic Laboratories, Mayo Clinic
Classification: Benign. Last evaluated: 2022-03-24. Review status: criteria provided, single submitter. Criteria: ACMG Guidelines, 2015. Collection method: clinical testing. Allele origin: germline. Observed: 442 variant alleles.

Genome-Nilou Lab
Classification: Benign for Cerebellar ataxia, impaired intellectual development, and dysequilibrium syndrome 4. Last evaluated: 2021-07-14. Review status: criteria provided, single submitter. Criteria: ACMG Guidelines, 2015. Collection method: clinical testing. Allele origin: germline. Affected: no.

Breakthrough Genomics
Classification: Benign. Review status: criteria provided, single submitter. Criteria: ACMG Guidelines, 2015. Collection method: not provided. Allele origin: germline. Inheritance: Autosomal recessive inheritance. Affected: yes.

Genetic Services Laboratory, University of Chicago
Classification: Likely benign for AllHighlyPenetrant. Review status: no assertion criteria provided. Collection method: clinical testing. Allele origin: germline. Inheritance: Autosomal recessive inheritance. Not counted in ClinVar's aggregate classification.
Comment: Likely benign based on allele frequency in 1000 Genomes Project or ESP global frequency and its presence in a patient with a rare or unrelated disease phenotype. NOT Sanger confirmed.